The following is an entry in ClinVar:

NM_000426.4(LAMA2):c.928G>A (p.Glu310Lys)

Gene: LAMA2 (laminin subunit alpha 2; plus strand). Cytogenetic location: 6q22.33.
Variant type: single nucleotide variant.
Coding change: c.928G>A on transcript NM_000426.4 (MANE Select); coding-DNA position 928, G replaced by A.
Protein change: p.Glu310Lys; replaces glutamic acid 310 with lysine.
Molecular consequence: missense variant.
Genome position (GRCh38, 1-based): chr6:129,148,997, G>A. VCF-style: chr6-129148997-G-A. GRCh37 (hg19) VCF-style: chr6-129470142-G-A.
Other names: c.928G>A, p.Glu310Lys (NM_001079823.2); short protein forms E310K.
Identifiers: ClinVar variation 1436384 (VCV001436384.3), dbSNP rs767885350, ClinGen allele CA365606514.

ClinVar aggregate classification (germline): Uncertain significance (1 of 4 stars; one submission).

Conditions:
LAMA2-related muscular dystrophy (LAMA2-RD). Also called: Laminin alpha 2-related dystrophy. Identifiers: MedGen C5679788, MONDO:0100228.

Submission:

Labcorp Genetics (formerly Invitae), Labcorp
Classification: Uncertain significance for LAMA2-related muscular dystrophy. Last evaluated: 2021-09-18. Review status: criteria provided, single submitter. Criteria: Invitae Variant Classification Sherloc (09022015). Collection method: clinical testing. Allele origin: germline.
Comment: This sequence change replaces glutamic acid with lysine at codon 310 of the LAMA2 protein (p.Glu310Lys). The glutamic acid residue is weakly conserved and there is a small physicochemical difference between glutamic acid and lysine. This variant is not present in population databases (ExAC no frequency). This variant has not been reported in the literature in individuals affected with LAMA2-related conditions. Advanced modeling of protein sequence and biophysical properties (such as structural, functional, and spatial information, amino acid conservation, physicochemical variation, residue mobility, and thermodynamic stability) performed at Invitae indicates that this missense variant is not expected to disrupt LAMA2 protein function. In summary, the available evidence is currently insufficient to determine the role of this variant in disease. Therefore, it has been classified as a Variant of Uncertain Significance.